The following is an entry in ClinVar:

ClinVar aggregate classification (germline): Uncertain significance (1 of 4 stars; one submission).

Allele frequency attached by ClinVar (database versions not stated): gnomAD exomes below 0.00001; gnomAD 0.00001; TOPMed 0.00001.
gnomAD v4.1: 8 of 1,613,688 alleles (0.0005%); highest among the groups gnomAD compares: East Asian, 0.0022%; no homozygotes.

Submission:

CeGaT Center for Human Genetics Tuebingen
Classification: Uncertain significance. Last evaluated: 2022-08-01. Review status: criteria provided, single submitter. Criteria: CeGaT Center For Human Genetics Tuebingen Variant Classification Criteria Version 2. Collection method: clinical testing. Allele origin: germline. Affected: yes. Observed: 1 variant allele.
Comment: TTN: PM2, BP4

NM_001267550.2(TTN):c.90350T>C (p.Ile30117Thr)

Genes: TTN (titin; minus strand), TTN-AS1 (TTN antisense RNA 1; plus strand). Cytogenetic location: 2q31.2.
Variant type: single nucleotide variant.
Coding change: c.90350T>C on transcript NM_001267550.2 (MANE Select); coding-DNA position 90350, T replaced by C.
Protein change: p.Ile30117Thr; replaces isoleucine 30117 with threonine.
Molecular consequence: missense variant.
Genome position (GRCh38, 1-based): chr2:178,552,550, A>G on the plus strand (T>C on the coding strand, the complement: TTN is on the minus strand). VCF-style: chr2-178552550-A-G. GRCh37 (hg19) VCF-style: chr2-179417277-A-G.
Other names: c.85427T>C, p.Ile28476Thr (NM_001256850.1); c.63155T>C, p.Ile21052Thr (NM_003319.4); c.82646T>C, p.Ile27549Thr (NM_133378.4); c.63530T>C, p.Ile21177Thr (NM_133432.3); c.63731T>C, p.Ile21244Thr (NM_133437.4); short protein forms I21052T, I21177T, I21244T, I27549T, I28476T, I30117T.
Identifiers: ClinVar variation 2651594 (VCV002651594.24), dbSNP rs1446752513, ClinGen allele CA349511588.
Genomic context (GRCh38, chr2:178,552,550, plus strand): 5'-GGGATATCTGACAGGTCAACTTCAGGTGTAATAATAAGTTCTTTCACTGTAATTGGCCCA[A>G]TAGTGACAGGATCACTCAGTCCTTTCTCATTTTTGGCAAACACTCTGAACTCCAGGACTG-3'
Protein context (NP_001254479.2, residues 30107-30127): NEKGLSDPVT[Ile30117Thr]GPITVKELII